The following is an entry in ClinVar:

ClinVar aggregate classification (germline): Likely pathogenic (1 of 4 stars; one submission).

Conditions:
Friedreich ataxia 1 (FRDA1). Identifiers: Orphanet 95, MedGen C1856689, MONDO:0100340, OMIM 229300.

Submission:

Kids Neuroscience Centre, Sydney Children's Hospitals Network
Classification: Likely pathogenic for Friedreich ataxia 1. Review status: criteria provided, single submitter. Criteria: Bournazos AM et al. (Genet Med 2021). Collection method: clinical testing, provider interpretation. Allele origin: paternal, unknown. Inheritance: Autosomal recessive inheritance. Affected: yes and no. Observed: 2 heterozygotes.
Comment: Detected two splicing events induced by the c.166-5T>G variant: (1) Exon 2 skipping (r.166_263del). This event induces a frameshift and encodes a premature termination codon (p.(Ser56Leufs*4)). These transcripts are predicted to be targeted by nonsense-mediated decay (NMD). Any misspliced FXN transcripts that escape NMD encode FXN protein lacking 155 amino acids from the C-terminus, including the frataxin-like domain, (2) In-frame exon 2 and exon 3 skipping (r.166_384del). This event removes 73 amino acids from FXN (p.(Ser57_Ser129del)), including 39 residues from the frataxin-like domain. Intron-1 retention is an event also observed in both the proband and controls. Intron 1 retention (r.165_166ins[165+1_166-1]) induces a frameshift and encodes a premature termination codon (p.(Ser56Valfs*133)). These transcripts are predicted to be targeted by NMD. Any mis-spliced FXN transcripts that escape NMD encode FXN protein lacking 155 amino acids from the C-terminus, including the frataxin-like domain.

NM_000144.5(FXN):c.166-5T>G

Gene: FXN (frataxin; plus strand). Cytogenetic location: 9q21.11.
Variant type: single nucleotide variant.
Coding change: c.166-5T>G on transcript NM_000144.5 (MANE Select); 5 bases into the intron before coding-DNA position 166, T replaced by G.
Molecular consequence: intron variant.
Genome position (GRCh38, 1-based): chr9:69,046,380, T>G. VCF-style: chr9-69046380-T-G. GRCh37 (hg19) VCF-style: chr9-71661296-T-G.
Other names: c.166-5T>G (NM_181425.3).
Identifiers: ClinVar variation 1064596 (VCV001064596.3), dbSNP rs2133102338, ClinGen allele CA2499219941.